The following is an entry in ClinVar:

ClinVar aggregate classification (germline): Uncertain significance. Review status: criteria provided, single submitter (1 of 4 stars). 2 submissions from 2 submitters: Uncertain significance (1). 1 of the submissions does not count toward it. Last evaluated 2022-11-14.

Conditions:
Inborn genetic diseases. Identifiers: MedGen C0950123, MeSH D030342.

Allele frequency attached by ClinVar (database versions not stated): TOPMed 0.00001; ExAC 0.00002; gnomAD 0.00003; 1000 Genomes Project 30x 0.00016; 1000 Genomes Project 0.00020.
gnomAD v4.1: 51 of 1,614,006 alleles (0.0032%); highest among the groups gnomAD compares: East Asian, 0.011%; no homozygotes.

Submissions (2):

Ambry Genetics
Classification: Uncertain significance for Inborn genetic diseases. Last evaluated: 2022-11-14. Review status: criteria provided, single submitter. Criteria: Ambry Variant Classification Scheme 2023. Collection method: clinical testing. Allele origin: germline.
Comment: Unlikely to be causative of Floating-Harbor syndrome (AD) Based on insufficient or conflicting evidence, the clinical significance of this alteration remains unclear.

Genetics and Genomic Medicine Centre, NeuroGen Healthcare, NeuroGen Healthcare
Classification: Uncertain significance. Last evaluated: 2021-06-06. Review status: no assertion criteria provided. Collection method: clinical testing. Allele origin: unknown. Affected: yes. Not counted in ClinVar's aggregate classification.

NM_006662.3(SRCAP):c.9230G>A (p.Arg3077Gln)

Gene: SRCAP (Snf2 related CREBBP activator protein; plus strand). Cytogenetic location: 16p11.2.
Variant type: single nucleotide variant.
Coding change: c.9230G>A on transcript NM_006662.3 (MANE Select); coding-DNA position 9230, G replaced by A.
Protein change: p.Arg3077Gln; replaces arginine 3077 with glutamine.
Molecular consequence: missense variant.
Genome position (GRCh38, 1-based): chr16:30,739,270, G>A. VCF-style: chr16-30739270-G-A. GRCh37 (hg19) VCF-style: chr16-30750591-G-A.
Other names: short protein forms R3077Q.
Identifiers: ClinVar variation 2372188 (VCV002372188.4), dbSNP rs529045247, ClinGen allele CA8012869.